The following is an entry in ClinVar:

ClinVar aggregate classification (germline): Uncertain significance. Review status: criteria provided, multiple submitters, no conflicts (2 of 4 stars). 2 submissions from 2 submitters: Uncertain significance (2). Last evaluated 2026-05-23.

Conditions:
Inborn genetic diseases. Identifiers: MedGen C0950123, MeSH D030342.
ADCY3-related disorder. Also called: ADCY3-related condition.

Allele frequency attached by ClinVar (database versions not stated): gnomAD exomes 0.00001; gnomAD 0.00002; TOPMed 0.00002; ExAC 0.00006.
gnomAD v4.1: 32 of 1,613,788 alleles (0.002%); highest among the groups gnomAD compares: East Asian, 0.022%; no homozygotes.

Submissions (2):

PreventionGenetics, part of Exact Sciences
Classification: Uncertain significance for ADCY3-related condition. Last evaluated: 2026-05-23. Review status: criteria provided, single submitter. Criteria: ACMG Guidelines, 2015. Collection method: clinical testing. Allele origin: germline.
Comment: The ADCY3 c.2570T>A variant is predicted to result in the amino acid substitution p.Phe857Tyr. To our knowledge, this variant has not been reported in the literature. This variant is reported in 0.050% of alleles in individuals of East Asian descent in gnomAD. Although we suspect that this variant may be benign, at this time, the clinical significance of this variant is uncertain due to the absence of conclusive functional and genetic evidence.

Ambry Genetics
Classification: Uncertain significance for Inborn genetic diseases. Last evaluated: 2021-10-12. Review status: criteria provided, single submitter. Criteria: Ambry Variant Classification Scheme 2023. Collection method: clinical testing. Allele origin: germline.

NM_004036.5(ADCY3):c.2567T>A (p.Phe856Tyr)

Gene: ADCY3 (adenylate cyclase 3; minus strand). Cytogenetic location: 2p23.3.
Variant type: single nucleotide variant.
Coding change: c.2567T>A on transcript NM_004036.5 (MANE Select); coding-DNA position 2567, T replaced by A.
Protein change: p.Phe856Tyr; replaces phenylalanine 856 with tyrosine.
Molecular consequence: missense variant. On other transcripts: intron variant (1).
Genome position (GRCh38, 1-based): chr2:24,826,055, A>T on the plus strand (T>A on the coding strand, the complement: ADCY3 is on the minus strand). VCF-style: chr2-24826055-A-T. GRCh37 (hg19) VCF-style: chr2-25048924-A-T.
Other names: c.2570T>A (NM_001320613.1); c.2570T>A, p.Phe857Tyr (NM_001320613.2); c.2633T>A, p.Phe878Tyr (NM_001377128.1); c.2429T>A, p.Phe810Tyr (NM_001377129.1); c.1844T>A, p.Phe615Tyr (NM_001377131.1); c.2567T>A, p.Phe856Tyr (NM_001377132.1); c.2173-1519T>A (NM_001377130.1); short protein forms F856Y, F615Y, F857Y, F878Y, F810Y.
Identifiers: ClinVar variation 2224501 (VCV002224501.3), dbSNP rs367811817, ClinGen allele CA1553704.